The following is an entry in ClinVar:

ClinVar aggregate classification (germline): Conflicting classifications of pathogenicity. Review status: criteria provided, conflicting classifications (1 of 4 stars). 2 submissions from 2 submitters: Uncertain significance (1); Likely benign (1). Last evaluated 2022-01-14.

Conditions:
Koolen-de Vries syndrome (KDVS). Identifiers: Orphanet 96169, MedGen C1864871, MONDO:0012496, OMIM 610443.

Allele frequency attached by ClinVar (database versions not stated): TOPMed below 0.00001; gnomAD exomes 0.00001 and 0.00003; ExAC 0.00002.
gnomAD v4.1: 8 of 1,614,206 alleles (0.0005%); highest among the groups gnomAD compares: Admixed American, 0.013%; no homozygotes.

Submissions (2):

Labcorp Genetics (formerly Invitae), Labcorp
Classification: Uncertain significance for Koolen-de Vries syndrome. Last evaluated: 2022-01-14. Review status: criteria provided, single submitter. Criteria: Invitae Variant Classification Sherloc (09022015). Collection method: clinical testing. Allele origin: germline.
Comment: Until the location of this sequence change can be resolved, the clinical significance of this variant remains uncertain. It has been classified as a Variant of Uncertain Significance. Algorithms developed to predict the effect of missense changes on protein structure and function are either unavailable or do not agree on the potential impact of this missense change (SIFT: "Deleterious"; PolyPhen-2: "Probably Damaging"; Align-GVGD: "Class C0"). ClinVar contains an entry for this variant (Variation ID: 380645). This variant has not been reported in the literature in individuals with KANSL1-related conditions. This variant is present in population databases (rs779968528, gnomAD 0.02%). This sequence change replaces glutamic acid, which is acidic and polar, with glutamine, which is neutral and polar, at codon 381 of the KANSL1 protein (p.Glu381Gln). Due to the possible presence of a polymorphic segmental duplication, the location of the variant could not be unambiguously resolved. Variants with ambiguous mapping are still reported relative to the KANSL1 transcript.

GeneDx
Classification: Likely benign. Last evaluated: 2015-09-17. Review status: criteria provided, single submitter. Criteria: GeneDx Variant Classification (06012015). Collection method: clinical testing. Allele origin: germline. Affected: yes.
Comment: This variant is considered likely benign or benign based on one or more of the following criteria: it is a conservative change, it occurs at a poorly conserved position in the protein, it is predicted to be benign by multiple in silico algorithms, and/or has population frequency not consistent with disease.

NM_015443.4(KANSL1):c.1141G>C (p.Glu381Gln)

Gene: KANSL1 (KAT8 regulatory NSL complex subunit 1). Cytogenetic location: 17q21.31.
Variant type: single nucleotide variant.
Coding change: c.1141G>C on transcript NM_015443.4 (MANE Select); coding-DNA position 1141, G replaced by C.
Protein change: p.Glu381Gln; replaces glutamic acid 381 with glutamine.
Molecular consequence: missense variant.
Genome position (GRCh38, 1-based): chr17:46,171,003, C>G on the plus strand (G>C on the coding strand, the complement: KANSL1 is on the minus strand). VCF-style: chr17-46171003-C-G. GRCh37 (hg19) VCF-style: chr17-44248369-C-G.
Other names: c.1141G>C, p.Glu381Gln (NM_001193465.2, NM_001193466.2, NM_001379198.1); short protein forms E381Q.
Identifiers: ClinVar variation 380645 (VCV000380645.10), dbSNP rs779968528, ClinGen allele CA8618885.